The following is an entry in ClinVar:

ClinVar aggregate classification (germline): Uncertain significance. Review status: criteria provided, multiple submitters, no conflicts (2 of 4 stars). 4 submissions from 4 submitters: Uncertain significance (3). 1 of the submissions does not count toward it. Last evaluated 2025-02-13.

Conditions:
Bardet-Biedl syndrome (BBS). Identifiers: Orphanet 110, MedGen C0752166, MONDO:0015229.
Bardet-Biedl syndrome 1 (BBS1). Identifiers: MedGen C2936862, MONDO:0008854, OMIM 209900. Disease mechanism: loss of function.

Allele frequency attached by ClinVar (database versions not stated): TOPMed 0.00002; gnomAD exomes 0.00008 and 0.00004; gnomAD below 0.00001 and 0.00003; 1000 Genomes Project 30x 0.00016; ExAC 0.00007.
gnomAD v4.1: 65 of 1,610,798 alleles (0.004%); highest among the groups gnomAD compares: South Asian, 0.053%; 2 homozygotes.

Submissions (4):

GeneDx
Classification: Uncertain significance. Last evaluated: 2025-02-13. Review status: criteria provided, single submitter. Criteria: GeneDx Variant Classification Process June 2021. Collection method: clinical testing. Allele origin: germline. Affected: yes.
Comment: In silico analysis supports that this missense variant has a deleterious effect on protein structure/function; Has not been previously published as pathogenic or benign to our knowledge

Blueprint Genetics
Classification: Uncertain significance. Last evaluated: 2024-08-07. Review status: criteria provided, single submitter. Criteria: ACMG Guidelines, 2015. Collection method: clinical testing. Allele origin: germline.

Labcorp Genetics (formerly Invitae), Labcorp
Classification: Uncertain significance for Bardet-Biedl syndrome. Last evaluated: 2022-03-10. Review status: criteria provided, single submitter. Criteria: Invitae Variant Classification Sherloc (09022015). Collection method: clinical testing. Allele origin: germline.
Comment: This sequence change replaces arginine, which is basic and polar, with cysteine, which is neutral and slightly polar, at codon 460 of the BBS1 protein (p.Arg460Cys). This variant is present in population databases (rs745460551, gnomAD 0.05%). This variant has not been reported in the literature in individuals affected with BBS1-related conditions. ClinVar contains an entry for this variant (Variation ID: 972619). Algorithms developed to predict the effect of missense changes on protein structure and function (SIFT, PolyPhen-2, Align-GVGD) all suggest that this variant is likely to be disruptive. In summary, the available evidence is currently insufficient to determine the role of this variant in disease. Therefore, it has been classified as a Variant of Uncertain Significance.

Natera, Inc.
Classification: Uncertain significance for Bardet-Biedl syndrome type 1. Last evaluated: 2020-06-25. Review status: no assertion criteria provided. Collection method: clinical testing. Allele origin: germline. Not counted in ClinVar's aggregate classification.

NM_024649.5(BBS1):c.1378C>T (p.Arg460Cys)

Genes: BBS1 (Bardet-Biedl syndrome 1; plus strand), ZDHHC24 (zDHHC palmitoyltransferase 24; minus strand). Cytogenetic location: 11q13.2.
Variant type: single nucleotide variant.
Coding change: c.1378C>T on transcript NM_024649.5 (MANE Select); coding-DNA position 1378, C replaced by T.
Protein change: p.Arg460Cys; replaces arginine 460 with cysteine.
Molecular consequence: missense variant. On other transcripts: intron variant (1).
Genome position (GRCh38, 1-based): chr11:66,529,857, C>T. VCF-style: chr11-66529857-C-T. GRCh37 (hg19) VCF-style: chr11-66297328-C-T.
Other names: c.560-369G>A (NM_001348571.2); short protein forms R460C.
Identifiers: ClinVar variation 972619 (VCV000972619.11), dbSNP rs745460551, ClinGen allele CA6123749.